The following is an entry in ClinVar:

NM_003060.4(SLC22A5):c.849G>T (p.Trp283Cys)

Gene: SLC22A5 (solute carrier family 22 member 5; plus strand). Cytogenetic location: 5q31.1.
Variant type: single nucleotide variant.
Coding change: c.849G>T on transcript NM_003060.4 (MANE Select); coding-DNA position 849, G replaced by T.
Protein change: p.Trp283Cys; replaces tryptophan 283 with cysteine.
Molecular consequence: missense variant.
Genome position (GRCh38, 1-based): chr5:132,387,049, G>T. VCF-style: chr5-132387049-G-T. GRCh37 (hg19) VCF-style: chr5-131722741-G-T.
Other names: c.921G>T, p.Trp307Cys (NM_001308122.2); short protein forms W307C.
Identifiers: ClinVar variation 2734783 (VCV002734783.3), dbSNP rs386134211, ClinGen allele CA342663.
Genomic context (GRCh38, chr5:132,387,049, plus strand): 5'-GGGAGGCCTCACTGAGATTGGACCTTGTACTGCCAGGTTCATCCCTGAGTCCCCCCGATG[G>T]CTCATCTCTCAGGGACGATTTGAAGAGGCAGAGGTGATCATCCGCAAGGCTGCCAAAGCC-3'
Protein context (NP_003051.1, residues 273-293): LWWFIPESPR[Trp283Cys]LISQGRFEEA

ClinVar aggregate classification (germline): Likely pathogenic (1 of 4 stars; one submission).

Conditions:
Renal carnitine transport defect (CDSP). Also called: Primary carnitine deficiency; Systemic primary carnitine deficiency disease; CARNITINE DEFICIENCY, SYSTEMIC, DUE TO DEFECT IN RENAL REABSORPTION OF CARNITINE; CARNITINE TRANSPORTER, PLASMA-MEMBRANE, DEFICIENCY OF; CARNITINE UPTAKE DEFECT; Carnitine transporter deficiency. Identifiers: Orphanet 158, MedGen C0342788, MONDO:0008919, OMIM 212140.

Submission:

Labcorp Genetics (formerly Invitae), Labcorp
Classification: Likely pathogenic for Renal carnitine transport defect. Last evaluated: 2022-10-27. Review status: criteria provided, single submitter. Criteria: Invitae Variant Classification Sherloc (09022015). Collection method: clinical testing. Allele origin: germline.
Comment: In summary, the currently available evidence indicates that the variant is pathogenic, but additional data are needed to prove that conclusively. Therefore, this variant has been classified as Likely Pathogenic. This variant disrupts the p.Trp283 amino acid residue in SLC22A5. Other variant(s) that disrupt this residue have been determined to be pathogenic (PMID: 10612840). This suggests that this residue is clinically significant, and that variants that disrupt this residue are likely to be disease-causing. Algorithms developed to predict the effect of sequence changes on RNA splicing suggest that this variant may disrupt the consensus splice site. Experimental studies have shown that this missense change affects SLC22A5 function (PMID: 10545605). Advanced modeling of protein sequence and biophysical properties (such as structural, functional, and spatial information, amino acid conservation, physicochemical variation, residue mobility, and thermodynamic stability) performed at Invitae indicates that this missense variant is expected to disrupt SLC22A5 protein function. This missense change has been observed in individual(s) with primary carnitine deficiency (PMID: 10545605). This variant is not present in population databases (gnomAD no frequency). This sequence change replaces tryptophan, which is neutral and slightly polar, with cysteine, which is neutral and slightly polar, at codon 283 of the SLC22A5 protein (p.Trp283Cys).

Literature cited by the submitters: PubMed 10612840; PubMed 10545605.